The following is an entry in ClinVar:

ClinVar aggregate classification (germline): Uncertain significance (1 of 4 stars; one submission).

Conditions:
Wilson disease (WND). Also called: Wilson's disease. Identifiers: Orphanet 905, MedGen C0019202, MONDO:0010200, OMIM 277900. Disease mechanism: loss of function.

gnomAD v4.1: 4 of 1,612,296 alleles (0.00025%); highest among the groups gnomAD compares: Non-Finnish European, 0.00034%; no homozygotes.

Submission:

All of Us Research Program, National Institutes of Health
Classification: Uncertain significance for Wilson disease. Last evaluated: 2023-06-08. Review status: criteria provided, single submitter. Criteria: ACMG Guidelines, 2015. Collection method: clinical testing. Allele origin: germline. Inheritance: Autosomal recessive inheritance. Observed: 1 variant allele, 1 heterozygote.
Comment: This missense variant replaces glycine with valine at codon 998 of the ATP7B protein. Computational prediction suggests that this variant may have deleterious impact on protein structure and function (internally defined REVEL score threshold >= 0.7, PMID: 27666373). To our knowledge, functional studies have not been reported for this variant. This variant has not been reported in individuals affected with ATP7B-related disorders in the literature. This variant has not been identified in the general population by the Genome Aggregation Database (gnomAD). The available evidence is insufficient to determine the role of this variant in disease conclusively. Therefore, this variant is classified as a Variant of Uncertain Significance.

This study involves interpretation of variants in research participants for the purpose of population health screening. Participant phenotype was not available at the time of variant classification. Additional details can be found in publication PMID: 35346344, PMCID: PMC8962531

NM_000053.4(ATP7B):c.2993G>T (p.Gly998Val)

Gene: ATP7B (ATPase copper transporting beta; minus strand). Cytogenetic location: 13q14.3.
Variant type: single nucleotide variant.
Coding change: c.2993G>T on transcript NM_000053.4 (MANE Select); coding-DNA position 2993, G replaced by T.
Protein change: p.Gly998Val; replaces glycine 998 with valine.
Molecular consequence: missense variant. On other transcripts: intron variant (6).
Genome position (GRCh38, 1-based): chr13:51,946,351, C>A on the plus strand (G>T on the coding strand, the complement: ATP7B is on the minus strand). VCF-style: chr13-51946351-C-A. GRCh37 (hg19) VCF-style: chr13-52520487-C-A.
Other names: c.2759G>T, p.Gly920Val (NM_001406538.1, NM_001330578.2, NM_001406527.1 and 1 more transcripts); c.2564G>T, p.Gly855Val (NM_001406539.1); c.2507G>T, p.Gly836Val (NM_001406541.1, NM_001406542.1); c.2645G>T, p.Gly882Val (NM_001406543.1); c.2411G>T, p.Gly804Val (NM_001406544.1); c.2345G>T, p.Gly782Val (NM_001406545.1); c.1703G>T, p.Gly568Val (NM_001406548.1); c.2722-2060G>T (NM_001406537.1); and 18 more; short protein forms G568V, G782V, G791V, G804V, G836V, G855V, G882V, G887V.
Identifiers: ClinVar variation 3075602 (VCV003075602.1), dbSNP rs2547646112, ClinGen allele CA388032104.